The following is an entry in ClinVar:

NM_001114753.3(ENG):c.1208T>C (p.Phe403Ser)

Genes: ENG (endoglin; minus strand), LOC102723566 (uncharacterized LOC102723566; plus strand). Cytogenetic location: 9q34.11.
Variant type: single nucleotide variant.
Coding change: c.1208T>C on transcript NM_001114753.3 (MANE Select); coding-DNA position 1208, T replaced by C.
Protein change: p.Phe403Ser; replaces phenylalanine 403 with serine.
Molecular consequence: missense variant.
Genome position (GRCh38, 1-based): chr9:127,819,964, A>G on the plus strand (T>C on the coding strand, the complement: ENG is on the minus strand). VCF-style: chr9-127819964-A-G. GRCh37 (hg19) VCF-style: chr9-130582243-A-G.
Other names: c.1208T>C, p.Phe403Ser (NM_000118.4); c.662T>C, p.Phe221Ser (NM_001278138.2); short protein forms F221S, F403S.
Identifiers: ClinVar variation 853374 (VCV000853374.17), dbSNP rs1830433526, ClinGen allele CA374978484.

ClinVar aggregate classification (germline): Conflicting classifications of pathogenicity. Review status: criteria provided, conflicting classifications (1 of 4 stars). 4 submissions from 4 submitters: Pathogenic (1); Likely pathogenic (1); Uncertain significance (2). Last evaluated 2024-12-16.

Conditions:
Hereditary hemorrhagic telangiectasia (HHT). Also called: ORW DISEASE; Osler Weber Rendu syndrome; OSLER-RENDU-WEBER DISEASE; Osler hemorrhagic telangiectasia syndrome. Identifiers: Orphanet 774, MedGen C0039445, MONDO:0019180. Disease mechanism: loss of function.
Cardiovascular phenotype. Identifiers: MedGen CN230736.

gnomAD v4.1: 1 of 1,614,200 alleles (0.000062%); no homozygotes.

Submissions (4):

Labcorp Genetics (formerly Invitae), Labcorp
Classification: Pathogenic for Hereditary hemorrhagic telangiectasia. Last evaluated: 2024-12-16. Review status: criteria provided, single submitter. Criteria: Invitae Variant Classification Sherloc (09022015). Collection method: clinical testing. Allele origin: germline.
Comment: This sequence change replaces phenylalanine, which is neutral and non-polar, with serine, which is neutral and polar, at codon 403 of the ENG protein (p.Phe403Ser). This variant is not present in population databases (gnomAD no frequency). This missense change has been observed in individual(s) with clinical features of autosomal dominant ENG-related conditions and/or clinical features of hereditary hemorrhagic telangiectasia (internal data). In at least one individual the variant was observed to be de novo. It has also been observed to segregate with disease in related individuals. ClinVar contains an entry for this variant (Variation ID: 853374). Invitae Evidence Modeling of protein sequence and biophysical properties (such as structural, functional, and spatial information, amino acid conservation, physicochemical variation, residue mobility, and thermodynamic stability) has been performed for this missense variant. However, the output from this modeling did not meet the statistical confidence thresholds required to predict the impact of this variant on ENG protein function. Experimental studies are conflicting or provide insufficient evidence to determine the effect of this variant on ENG function (PMID: 22022569). For these reasons, this variant has been classified as Pathogenic.

Blueprint Genetics
Classification: Uncertain significance. Last evaluated: 2022-10-13. Review status: criteria provided, single submitter. Criteria: ACMG Guidelines, 2015. Collection method: clinical testing. Allele origin: germline.

Ambry Genetics
Classification: Likely pathogenic for Cardiovascular phenotype. Last evaluated: 2020-11-30. Review status: criteria provided, single submitter. Criteria: Ambry Variant Classification Scheme 2023. Collection method: clinical testing. Allele origin: germline.
Comment: The p.F403S variant (also known as c.1208T>C), located in coding exon 9 of the ENG gene, results from a T to C substitution at nucleotide position 1208. The phenylalanine at codon 403 is replaced by serine, an amino acid with highly dissimilar properties. This alteration has previously been reported in a family with HHT (Prigoda NL et al. J. Med. Genet., 2006 Sep;43:722-8). This variant was not reported in population-based cohorts in the Genome Aggregation Database (gnomAD). This amino acid position is poorly conserved in available vertebrate species. In addition, this alteration is predicted to be deleterious by in silico analysis. Based on the majority of available evidence to date, this variant is likely to be pathogenic.

Genetic Services Laboratory, University of Chicago
Classification: Uncertain significance. Last evaluated: 2018-06-11. Review status: criteria provided, single submitter. Criteria: ACMG Guidelines, 2015. Collection method: clinical testing. Allele origin: germline. Affected: no.

Literature cited by the submitters: PubMed 22022569 (cited by Labcorp Genetics (formerly Invitae), Labcorp); PubMed 16690726 (cited by Ambry Genetics).